The following is an entry in ClinVar:

NM_170707.4(LMNA):c.217_239del (p.Glu73fs)

Gene: LMNA (lamin A/C; plus strand). Cytogenetic location: 1q22.
Variant type: Deletion.
Coding change: c.217_239del on transcript NM_170707.4 (MANE Select); coding-DNA positions 217 to 239, 23 bases deleted (GAGGTGTCCGGCATCAAGGCCGC).
Protein change: p.Glu73fs; shifts the reading frame from glutamic acid 73.
Molecular consequence: frameshift variant. On other transcripts: 5 prime UTR variant (8), intron variant (2).
Genome position (GRCh38, 1-based): chr1:156,115,135-156,115,157, GAGGTGTCCGGCATCAAGGCCGC deleted; deleting any 23 consecutive bases within chr1:156,115,130-156,115,157 gives the same sequence; the c. name uses the placement nearest the transcript's 3' end. VCF-style (leftmost placement, unchanged base first): chr1-156115129-AGCCGCGAGGTGTCCGGCATCAAG-A. GRCh37 (hg19) VCF-style: chr1-156084920-AGCCGCGAGGTGTCCGGCATCAAG-A.
Other names: c.217_239del, p.Glu73fs (NM_001282625.2, NM_001282626.2, NM_001406983.1 and 6 more transcripts); c.-207_-185del (NM_001406986.1); c.-185_-163del (NM_001406990.1, NM_001406995.1, NM_001407002.1); c.-448_-426del (NM_001406994.1, NM_001407000.1); c.-628_-606del (NM_001406999.1); c.-291_-269del (NM_001407001.1); c.-203+8312_-203+8334del (NM_001406993.1, NM_001407003.1); short protein forms E73fs.
Identifiers: ClinVar variation 2828616 (VCV002828616.3), dbSNP rs2527832764, ClinGen allele CA2739275331.

ClinVar aggregate classification (germline): Pathogenic (1 of 4 stars; one submission).

Conditions:
Charcot-Marie-Tooth disease type 2. Also called: Charcot-Marie-Tooth type 2. Identifiers: Orphanet 64746, MedGen C0270914, MONDO:0018993.

Submission:

Labcorp Genetics (formerly Invitae), Labcorp
Classification: Pathogenic for Charcot-Marie-Tooth disease type 2. Last evaluated: 2023-01-14. Review status: criteria provided, single submitter. Criteria: Invitae Variant Classification Sherloc (09022015). Collection method: clinical testing. Allele origin: germline.
Comment: For these reasons, this variant has been classified as Pathogenic. This variant has not been reported in the literature in individuals affected with LMNA-related conditions. This variant is not present in population databases (gnomAD no frequency). This sequence change creates a premature translational stop signal (p.Glu73Leufs*13) in the LMNA gene. It is expected to result in an absent or disrupted protein product. Loss-of-function variants in LMNA are known to be pathogenic (PMID: 18585512, 18926329).

Literature cited by the submitters: PubMed 18585512; PubMed 18926329.